The following is an entry in ClinVar:

NM_001370259.2(MEN1):c.1186-6G>A

Gene: MEN1 (menin 1; minus strand). Cytogenetic location: 11q13.1.
Variant type: single nucleotide variant.
Coding change: c.1186-6G>A on transcript NM_001370259.2 (MANE Select); 6 bases into the intron before coding-DNA position 1186, G replaced by A.
Molecular consequence: intron variant.
Genome position (GRCh38, 1-based): chr11:64,805,204, C>T on the plus strand (G>A on the coding strand, the complement: MEN1 is on the minus strand). VCF-style: chr11-64805204-C-T. GRCh37 (hg19) VCF-style: chr11-64572676-C-T.
Other names: c.1201-6G>A (NM_130804.3, NM_130803.3, NM_000244.4 and 3 more transcripts); c.1186-6G>A (NM_130799.3, NM_001370260.2, NM_001370261.2); c.1312-6G>A (NM_001370251.2); c.1081-6G>A (NM_001370263.2, NM_001370262.2).
Identifiers: ClinVar variation 412580 (VCV000412580.31), dbSNP rs576193460, ClinGen allele CA060265.

ClinVar aggregate classification (germline): Conflicting classifications of pathogenicity. Review status: criteria provided, conflicting classifications (1 of 4 stars). 6 submissions from 6 submitters: Uncertain significance (1); Benign (1); Likely benign (4). Last evaluated 2025-11-18.

Conditions:
Hereditary cancer-predisposing syndrome. Also called: Neoplastic Syndromes, Hereditary; Tumor predisposition; Hereditary Cancer Syndrome; Hereditary neoplastic syndrome. Identifiers: Orphanet 140162, MedGen C0027672, MeSH D009386, MONDO:0015356.
Multiple endocrine neoplasia, type 1 (MEN1). Also called: MEN I; WERMER SYNDROME; Endocrine adenomatosis multiple; MEN 1; MEA I. Identifiers: Orphanet 652, MedGen C0025267, MeSH D018761, MONDO:0007540, OMIM 131100.

Allele frequency attached by ClinVar (database versions not stated): gnomAD 0.00002 and 0.00001; gnomAD exomes 0.00004 and 0.00005; ExAC 0.00005; TOPMed 0.00001.
gnomAD v4.1: 60 of 1,612,828 alleles (0.0037%); highest among the groups gnomAD compares: South Asian, 0.019%; no homozygotes.

Submissions (6):

Labcorp Genetics (formerly Invitae), Labcorp
Classification: Likely benign for Multiple endocrine neoplasia, type 1. Last evaluated: 2025-11-18. Review status: criteria provided, single submitter. Criteria: Invitae Variant Classification Sherloc (09022015). Collection method: clinical testing. Allele origin: germline.

Blueprint Genetics
Classification: Likely benign. Last evaluated: 2024-10-18. Review status: criteria provided, single submitter. Criteria: ACMG Guidelines, 2015. Collection method: clinical testing. Allele origin: germline.

Myriad Genetics, Inc.
Classification: Benign for Multiple endocrine neoplasia, type 1. Last evaluated: 2024-09-04. Review status: criteria provided, single submitter. Criteria: Myriad Autosomal Dominant, Autosomal Recessive and X-Linked Classification Criteria (2023). Collection method: clinical testing. Allele origin: unknown.
Comment: This variant is considered benign. This variant is intronic and is not expected to impact mRNA splicing. This variant has been observed at a population frequency that is significantly greater than expected given the associated disease prevalence and penetrance.

Sema4
Classification: Likely benign for Hereditary cancer-predisposing syndrome. Last evaluated: 2021-10-25. Review status: criteria provided, single submitter. Criteria: Sema4 Curation Guidelines. Collection method: curation. Allele origin: germline.

Genetic Services Laboratory, University of Chicago
Classification: Likely benign. Last evaluated: 2016-08-19. Review status: criteria provided, single submitter. Criteria: ACMG Guidelines, 2015. Collection method: clinical testing. Allele origin: germline. Affected: no.

Ambry Genetics
Classification: Uncertain significance for Hereditary cancer-predisposing syndrome. Last evaluated: 2015-12-06. Review status: criteria provided, single submitter. Criteria: Ambry Variant Classification Scheme 2023. Collection method: clinical testing. Allele origin: germline.
Comment: The c.1186-6G>A intronic alteration consists of a G to A substitution 6 nucleotides before coding exon 8 in the MEN1 gene. Based on insufficient or conflicting evidence, the clinical significance of this alteration remains unclear.